The following is an entry in ClinVar:

ClinVar aggregate classification (germline): Likely benign (0 of 4 stars; one submission).

Conditions:
DNMBP-related disorder. Also called: DNMBP-related condition.

Allele frequency attached by ClinVar (database versions not stated): gnomAD 0.00017; ExAC 0.00018; TOPMed 0.00018; ESP Exome Variant Server 0.00031; gnomAD exomes 0.00031.
gnomAD v4.1: 478 of 1,600,032 alleles (0.03%); highest among the groups gnomAD compares: Non-Finnish European, 0.037%; no homozygotes.

Submission:

PreventionGenetics, part of Exact Sciences
Classification: Likely benign for DNMBP-related condition. Last evaluated: 2019-03-28. Review status: no assertion criteria provided. Collection method: clinical testing. Allele origin: germline.
Comment: This variant is classified as likely benign based on ACMG/AMP sequence variant interpretation guidelines (Richards et al. 2015 PMID: 25741868, with internal and published modifications).

NM_015221.4(DNMBP):c.*6C>T

Gene: DNMBP (dynamin binding protein; minus strand). Cytogenetic location: 10q24.2.
Variant type: single nucleotide variant.
Coding change: c.*6C>T on transcript NM_015221.4 (MANE Select); 6 bases downstream of the stop codon, C replaced by T.
Molecular consequence: 3 prime UTR variant.
Genome position (GRCh38, 1-based): chr10:99,877,145, G>A on the plus strand (C>T on the coding strand, the complement: DNMBP is on the minus strand). VCF-style: chr10-99877145-G-A. GRCh37 (hg19) VCF-style: chr10-101636902-G-A.
Other names: c.*6C>T (NM_001318326.2, NM_001318327.2).
Identifiers: ClinVar variation 3048708 (VCV003048708.2), dbSNP rs201822884, ClinGen allele CA5644218.
Genomic context (GRCh38, chr10:99,877,145, plus strand): 5'-GGGCCGCCAGAACCCTCGGCGGACTGAAAGCAAAGGCAGCAAGGCTGGGTGGCAGGCAAC[G>A]TGGGCTCAGGTGTACTCGGTTTTGCGGATATAATTGGAGGGAACGTAGCCCTTCTTCCCG-3'